The following is an entry in ClinVar:

NM_004793.4(LONP1):c.314A>G (p.Glu105Gly)

Genes: LONP1 (lon peptidase 1, mitochondrial; minus strand), LOC130063270 (ATAC-STARR-seq lymphoblastoid silent region 9931; plus strand). Cytogenetic location: 19p13.3.
Variant type: single nucleotide variant.
Coding change: c.314A>G on transcript NM_004793.4 (MANE Select); coding-DNA position 314, A replaced by G.
Protein change: p.Glu105Gly; replaces glutamic acid 105 with glycine.
Molecular consequence: missense variant. On other transcripts: non-coding transcript variant (1), intron variant (2).
Genome position (GRCh38, 1-based): chr19:5,719,819, T>C on the plus strand (A>G on the coding strand, the complement: LONP1 is on the minus strand). VCF-style: chr19-5719819-T-C. GRCh37 (hg19) VCF-style: chr19-5719830-T-C.
Other names: c.-160+400A>G (NM_001276480.1); c.125-3A>G (NM_001276479.2); short protein forms E105G.
Identifiers: ClinVar variation 1479374 (VCV001479374.6), dbSNP rs2145644284, ClinGen allele CA403543605.

ClinVar aggregate classification (germline): Uncertain significance (1 of 4 stars; one submission).

gnomAD v4.1: 1 of 1,610,904 alleles (0.000062%); no homozygotes.

Submission:

Labcorp Genetics (formerly Invitae), Labcorp
Classification: Uncertain significance. Last evaluated: 2021-11-06. Review status: criteria provided, single submitter. Criteria: Invitae Variant Classification Sherloc (09022015). Collection method: clinical testing. Allele origin: germline.
Comment: In summary, the available evidence is currently insufficient to determine the role of this variant in disease. Therefore, it has been classified as a Variant of Uncertain Significance. Algorithms developed to predict the effect of missense changes on protein structure and function (SIFT, PolyPhen-2, Align-GVGD) all suggest that this variant is likely to be tolerated. This variant has not been reported in the literature in individuals affected with LONP1-related conditions. This variant is not present in population databases (gnomAD no frequency). This sequence change replaces glutamic acid, which is acidic and polar, with glycine, which is neutral and non-polar, at codon 105 of the LONP1 protein (p.Glu105Gly).